The following is an entry in ClinVar:

ClinVar aggregate classification (germline): Uncertain significance (1 of 4 stars; one submission).

Submission:

Labcorp Genetics (formerly Invitae), Labcorp
Classification: Uncertain significance. Last evaluated: 2024-10-07. Review status: criteria provided, single submitter. Criteria: Invitae Variant Classification Sherloc (09022015). Collection method: clinical testing. Allele origin: germline.
Comment: This sequence change replaces arginine, which is basic and polar, with leucine, which is neutral and non-polar, at codon 175 of the COQ7 protein (p.Arg175Leu). This variant is not present in population databases (gnomAD no frequency). This variant has not been reported in the literature in individuals affected with COQ7-related conditions. An algorithm developed to predict the effect of missense changes on protein structure and function (PolyPhen-2) suggests that this variant is likely to be disruptive. In summary, the available evidence is currently insufficient to determine the role of this variant in disease. Therefore, it has been classified as a Variant of Uncertain Significance.

NM_016138.5(COQ7):c.524G>T (p.Arg175Leu)

Gene: COQ7 (coenzyme Q7, hydroxylase; plus strand). Cytogenetic location: 16p12.3.
Variant type: single nucleotide variant.
Coding change: c.524G>T on transcript NM_016138.5 (MANE Select); coding-DNA position 524, G replaced by T.
Protein change: p.Arg175Leu; replaces arginine 175 with leucine.
Molecular consequence: missense variant. On other transcripts: non-coding transcript variant (3), intron variant (3).
Genome position (GRCh38, 1-based): chr16:19,077,322, G>T. VCF-style: chr16-19077322-G-T. GRCh37 (hg19) VCF-style: chr16-19088644-G-T.
Other names: c.410G>T, p.Arg137Leu (NM_001190983.2, NM_001370492.1, NM_001370493.1 and 1 more transcripts); c.482G>T, p.Arg161Leu (NM_001370489.1); c.508-759G>T (NM_001370490.1); c.394-759G>T (NM_001370495.1); c.466-759G>T (NM_001370491.1); short protein forms R137L, R161L, R175L.
Identifiers: ClinVar variation 3609714 (VCV003609714.2).